The following is an entry in ClinVar:

ClinVar aggregate classification (germline): Likely benign (1 of 4 stars; one submission).

Allele frequency attached by ClinVar (database versions not stated): TOPMed 0.00005; ESP Exome Variant Server 0.00008; gnomAD 0.00008; ExAC 0.00012; 1000 Genomes Project 30x 0.00016; 1000 Genomes Project 0.00020.
gnomAD v4.1: 155 of 1,610,000 alleles (0.0096%); highest among the groups gnomAD compares: Middle Eastern, 0.05%; no homozygotes.

Submission:

CeGaT Center for Human Genetics Tuebingen
Classification: Likely benign. Last evaluated: 2022-10-01. Review status: criteria provided, single submitter. Criteria: CeGaT Center For Human Genetics Tuebingen Variant Classification Criteria Version 2. Collection method: clinical testing. Allele origin: germline. Affected: yes. Observed: 1 variant allele.
Comment: INTS1: BP4, BP7

NM_001080453.3(INTS1):c.2493G>A (p.Ser831=)

Gene: INTS1 (integrator complex subunit 1; minus strand). Cytogenetic location: 7p22.3.
Variant type: single nucleotide variant.
Coding change: c.2493G>A on transcript NM_001080453.3 (MANE Select); coding-DNA position 2493, G replaced by A.
Protein change: p.Ser831=; no amino-acid change (serine 831 retained).
Molecular consequence: synonymous variant.
Genome position (GRCh38, 1-based): chr7:1,487,783, C>T on the plus strand (G>A on the coding strand, the complement: INTS1 is on the minus strand). VCF-style: chr7-1487783-C-T. GRCh37 (hg19) VCF-style: chr7-1527419-C-T.
Identifiers: ClinVar variation 2657203 (VCV002657203.24), dbSNP rs372785733, ClinGen allele CA4119807.